The following is an entry in ClinVar:

NM_022132.5(MCCC2):c.1149+1G>A

Gene: MCCC2 (methylcrotonyl-CoA carboxylase subunit 2; plus strand). Cytogenetic location: 5q13.2.
Variant type: single nucleotide variant.
Coding change: c.1149+1G>A on transcript NM_022132.5 (MANE Select); the canonical splice donor site of the intron after coding-DNA position 1149, G replaced by A.
Molecular consequence: splice donor variant.
Genome position (GRCh38, 1-based): chr5:71,643,896, G>A. VCF-style: chr5-71643896-G-A. GRCh37 (hg19) VCF-style: chr5-70939723-G-A.
Other names: c.1149+1G>A (NM_022132.4); c.1035+1G>A (NM_001363147.1).
Identifiers: ClinVar variation 1067700 (VCV001067700.17), dbSNP rs2112460011, ClinGen allele CA359993561.
Genomic context (GRCh38, chr5:71,643,896, plus strand): 5'-GGGTACCCAGTAGGTATCGTTGGAAACAACGGAGTTCTCTTTTCTGAATCTGCAAAAAAG[G>A]CAAGTACTGTTAAAAATATTTCAAGATTTTCTGTTTTAATTTAACATAACGTTGAAGGTC-3'

ClinVar aggregate classification (germline): Pathogenic/Likely pathogenic. Review status: criteria provided, multiple submitters, no conflicts (2 of 4 stars). 2 submissions from 2 submitters: Pathogenic (1); Likely pathogenic (1). Last evaluated 2025-09-30.

Conditions:
3-methylcrotonyl-CoA carboxylase 2 deficiency. Also called: METHYLCROTONYLGLYCINURIA, TYPE II; 3 alpha methylcrotonyl-CoA carboxylase 2 deficiency; 3 alpha methylcrotonylglycinuria 2; MCC 2 deficiency; Methylcrotonylglycinuria type 2. Identifiers: Orphanet 6, MedGen C1859499, MONDO:0008862, OMIM 210210.

Allele frequency attached by ClinVar (database versions not stated): gnomAD exomes below 0.00001.
gnomAD v4.1: 4 of 1,613,956 alleles (0.00025%); highest among the groups gnomAD compares: South Asian, 0.0011%; no homozygotes.

Submissions (2):

Natera, Inc.
Classification: Pathogenic for 3-methylcrotonyl-CoA carboxylase 2 deficiency. Last evaluated: 2025-09-30. Review status: criteria provided, single submitter. Criteria: Natera Variant Classification Schema (03/2026). Collection method: clinical testing. Allele origin: germline.
Comment: The c.1149+1G>A variant in MCCC2 is a canonical splice donor site variant predicted to affect pre-mRNA splicing, which may result in an abnormal transcript and altered protein product. This variant is expected to result in nonsense mediated decay, truncation, or a dysfunctional protein product. This variant is rare in the general population with a frequency below the threshold expected for the associated phenotype(s). Another variant at this same site results in an alteration predicted to cause a similar molecular effect has been observed in individual(s) with the associated phenotype. Given the available evidence, this variant is classified as Pathogenic.

Labcorp Genetics (formerly Invitae), Labcorp
Classification: Likely pathogenic for 3-methylcrotonyl-CoA carboxylase 2 deficiency. Last evaluated: 2023-07-15. Review status: criteria provided, single submitter. Criteria: Invitae Variant Classification Sherloc (09022015). Collection method: clinical testing. Allele origin: germline.
Comment: In summary, the currently available evidence indicates that the variant is pathogenic, but additional data are needed to prove that conclusively. Therefore, this variant has been classified as Likely Pathogenic. ClinVar contains an entry for this variant (Variation ID: 1067700). Algorithms developed to predict the effect of sequence changes on RNA splicing suggest that this variant may disrupt the consensus splice site. Disruption of this splice site has been observed in individual(s) with 3-methylcrotonyl-CoA carboxylase deficiency (PMID: 22642865). This variant is not present in population databases (gnomAD no frequency). This sequence change affects a donor splice site in intron 12 of the MCCC2 gene. It is expected to disrupt RNA splicing. Variants that disrupt the donor or acceptor splice site typically lead to a loss of protein function (PMID: 16199547), and loss-of-function variants in MCCC2 are known to be pathogenic (PMID: 11181649, 22642865).

Literature cited by the submitters: PubMed 22642865 (cited by Labcorp Genetics (formerly Invitae), Labcorp); PubMed 16199547 (cited by Labcorp Genetics (formerly Invitae), Labcorp); PubMed 11181649 (cited by Labcorp Genetics (formerly Invitae), Labcorp).